The following is an entry in ClinVar:

ClinVar aggregate classification (germline): Uncertain significance (1 of 4 stars; one submission).

Conditions:
Cerebral creatine deficiency syndrome. Also called: Creatine deficiency syndromes. Identifiers: Orphanet 79172, MedGen C5244016, MONDO:0000456.

Allele frequency attached by ClinVar (database versions not stated): gnomAD exomes below 0.00001; TOPMed 0.00001.
gnomAD v4.1: 1 of 1,369,358 alleles (0.000073%); highest among the groups gnomAD compares: Non-Finnish European, 0.000094%; no homozygotes.

Submission:

Labcorp Genetics (formerly Invitae), Labcorp
Classification: Uncertain significance for Cerebral creatine deficiency syndrome. Last evaluated: 2022-07-19. Review status: criteria provided, single submitter. Criteria: Invitae Variant Classification Sherloc (09022015). Collection method: clinical testing. Allele origin: germline.
Comment: This sequence change replaces proline, which is neutral and non-polar, with serine, which is neutral and polar, at codon 4 of the GAMT protein (p.Pro4Ser). This variant is not present in population databases (gnomAD no frequency). This variant has not been reported in the literature in individuals affected with GAMT-related conditions. Algorithms developed to predict the effect of missense changes on protein structure and function output the following: SIFT: "Tolerated"; PolyPhen-2: "Benign"; Align-GVGD: "Class C0". The serine amino acid residue is found in multiple mammalian species, which suggests that this missense change does not adversely affect protein function. In summary, the available evidence is currently insufficient to determine the role of this variant in disease. Therefore, it has been classified as a Variant of Uncertain Significance.

NM_000156.6(GAMT):c.10C>T (p.Pro4Ser)

Genes: GAMT (guanidinoacetate N-methyltransferase; minus strand), LOC130062945 (ATAC-STARR-seq lymphoblastoid silent region 9707; plus strand). Cytogenetic location: 19p13.3.
Variant type: single nucleotide variant.
Coding change: c.10C>T on transcript NM_000156.6 (MANE Select); coding-DNA position 10, C replaced by T.
Protein change: p.Pro4Ser; replaces proline 4 with serine.
Molecular consequence: missense variant.
Genome position (GRCh38, 1-based): chr19:1,401,467, G>A on the plus strand (C>T on the coding strand, the complement: GAMT is on the minus strand). VCF-style: chr19-1401467-G-A. GRCh37 (hg19) VCF-style: chr19-1401466-G-A.
Other names: c.10C>T, p.Pro4Ser (NM_138924.3); short protein forms P4S.
Identifiers: ClinVar variation 2192764 (VCV002192764.1), dbSNP rs1033754572, ClinGen allele CA304067374.
Genomic context (GRCh38, chr19:1,401,467, plus strand): 5'-GCGCCGCCCCCCACGCGGGGCTGCAGTTCTCGCCGGGCGCGAAGATGGGGGTCGCGCTGG[G>A]GGCGCTCATGCTGCAGGCTGGACGGCGACCCGACCTCGATCGCGCGCCGCCCGGGCCCGC-3'
Protein context (NP_000147.1, residues 1-14): MSA[Pro4Ser]SATPIFAPGE